The following is an entry in ClinVar:

ClinVar aggregate classification (germline): Uncertain significance. Review status: criteria provided, multiple submitters, no conflicts (2 of 4 stars). 3 submissions from 3 submitters: Uncertain significance (3). Last evaluated 2024-10-07.

Conditions:
Gorlin syndrome. Also called: Nevoid Basal Cell Carcinoma Syndrome; Basal cell nevus syndrome. Identifiers: Orphanet 377, MedGen C0004779, MONDO:0007187.
Hereditary cancer-predisposing syndrome. Also called: Neoplastic Syndromes, Hereditary; Hereditary neoplastic syndrome; Tumor predisposition; Hereditary Cancer Syndrome. Identifiers: Orphanet 140162, MedGen C0027672, MeSH D009386, MONDO:0015356.

Submissions (3):

Labcorp Genetics (formerly Invitae), Labcorp
Classification: Uncertain significance for Gorlin syndrome. Last evaluated: 2024-10-07. Review status: criteria provided, single submitter. Criteria: Invitae Variant Classification Sherloc (09022015). Collection method: clinical testing. Allele origin: germline.
Comment: This sequence change replaces histidine, which is basic and polar, with glutamine, which is neutral and polar, at codon 1382 of the PTCH1 protein (p.His1382Gln). This variant is not present in population databases (gnomAD no frequency). This variant has not been reported in the literature in individuals affected with PTCH1-related conditions. ClinVar contains an entry for this variant (Variation ID: 662680). Invitae Evidence Modeling of protein sequence and biophysical properties (such as structural, functional, and spatial information, amino acid conservation, physicochemical variation, residue mobility, and thermodynamic stability) has been performed for this missense variant. However, the output from this modeling did not meet the statistical confidence thresholds required to predict the impact of this variant on PTCH1 protein function. In summary, the available evidence is currently insufficient to determine the role of this variant in disease. Therefore, it has been classified as a Variant of Uncertain Significance.

GeneDx
Classification: Uncertain significance. Last evaluated: 2024-09-12. Review status: criteria provided, single submitter. Criteria: GeneDx Variant Classification Process June 2021. Collection method: clinical testing. Allele origin: germline. Affected: yes.
Comment: Not observed at significant frequency in large population cohorts (gnomAD); In silico analysis indicates that this missense variant does not alter protein structure/function; Has not been previously published as pathogenic or benign to our knowledge

Ambry Genetics
Classification: Uncertain significance for Hereditary cancer-predisposing syndrome. Last evaluated: 2024-07-15. Review status: criteria provided, single submitter. Criteria: Ambry Variant Classification Scheme 2023. Collection method: clinical testing. Allele origin: germline.
Comment: The p.H1382Q variant (also known as c.4146C>G), located in coding exon 23 of the PTCH1 gene, results from a C to G substitution at nucleotide position 4146. The histidine at codon 1382 is replaced by glutamine, an amino acid with highly similar properties. This amino acid position is conserved. In addition, the in silico prediction for this alteration is inconclusive. Since supporting evidence is limited at this time, the clinical significance of this alteration remains unclear.

NM_000264.5(PTCH1):c.4146C>G (p.His1382Gln)

Gene: PTCH1 (patched 1; minus strand). Cytogenetic location: 9q22.32.
Variant type: single nucleotide variant.
Coding change: c.4146C>G on transcript NM_000264.5 (MANE Select); coding-DNA position 4146, C replaced by G.
Protein change: p.His1382Gln; replaces histidine 1382 with glutamine.
Molecular consequence: missense variant. On other transcripts: non-coding transcript variant (1).
Genome position (GRCh38, 1-based): chr9:95,447,110, G>C on the plus strand (C>G on the coding strand, the complement: PTCH1 is on the minus strand). VCF-style: chr9-95447110-G-C. GRCh37 (hg19) VCF-style: chr9-98209392-G-C.
Other names: c.3948C>G, p.His1316Gln (NM_001083602.3); c.4143C>G, p.His1381Gln (NM_001083603.3); c.3693C>G, p.His1231Gln (NM_001083604.3, NM_001083605.3, NM_001083606.3 and 1 more transcripts); c.3990C>G, p.His1330Gln (NM_001354918.2); short protein forms H1330Q, H1231Q, H1316Q, H1381Q, H1382Q.
Identifiers: ClinVar variation 662680 (VCV000662680.15), dbSNP rs1207158056, ClinGen allele CA374110230.